The following is an entry in ClinVar:

NM_000918.4(P4HB):c.1376G>A (p.Gly459Glu)

Gene: P4HB (prolyl 4-hydroxylase subunit beta; minus strand). Cytogenetic location: 17q25.3.
Variant type: single nucleotide variant.
Coding change: c.1376G>A on transcript NM_000918.4 (MANE Select); coding-DNA position 1376, G replaced by A.
Protein change: p.Gly459Glu; replaces glycine 459 with glutamic acid.
Molecular consequence: missense variant.
Genome position (GRCh38, 1-based): chr17:81,845,214, C>T on the plus strand (G>A on the coding strand, the complement: P4HB is on the minus strand). VCF-style: chr17-81845214-C-T. GRCh37 (hg19) VCF-style: chr17-79803090-C-T.
Other names: short protein forms G459E.
Identifiers: ClinVar variation 2986842 (VCV002986842.3), dbSNP rs2038714761, ClinGen allele CA401505568.

ClinVar aggregate classification (germline): Uncertain significance (1 of 4 stars; one submission).

Allele frequency attached by ClinVar (database versions not stated): gnomAD exomes below 0.00001; TOPMed below 0.00001.
gnomAD v4.1: 4 of 1,613,616 alleles (0.00025%); highest among the groups gnomAD compares: Admixed American, 0.0017%; no homozygotes.

Submission:

Labcorp Genetics (formerly Invitae), Labcorp
Classification: Uncertain significance. Last evaluated: 2023-04-11. Review status: criteria provided, single submitter. Criteria: Invitae Variant Classification Sherloc (09022015). Collection method: clinical testing. Allele origin: germline.
Comment: In summary, the available evidence is currently insufficient to determine the role of this variant in disease. Therefore, it has been classified as a Variant of Uncertain Significance. Advanced modeling of protein sequence and biophysical properties (such as structural, functional, and spatial information, amino acid conservation, physicochemical variation, residue mobility, and thermodynamic stability) has been performed at Invitae for this missense variant, however the output from this modeling did not meet the statistical confidence thresholds required to predict the impact of this variant on P4HB protein function. This variant has not been reported in the literature in individuals affected with P4HB-related conditions. This variant is not present in population databases (gnomAD no frequency). This sequence change replaces glycine, which is neutral and non-polar, with glutamic acid, which is acidic and polar, at codon 459 of the P4HB protein (p.Gly459Glu).